The following is an entry in ClinVar:

ClinVar aggregate classification (germline): Uncertain significance. Review status: criteria provided, multiple submitters, no conflicts (2 of 4 stars). 2 submissions from 2 submitters: Uncertain significance (2). Last evaluated 2025-12-17.

Conditions:
Hereditary cancer-predisposing syndrome. Also called: Tumor predisposition; Hereditary neoplastic syndrome; Hereditary Cancer Syndrome; Neoplastic Syndromes, Hereditary. Identifiers: Orphanet 140162, MedGen C0027672, MeSH D009386, MONDO:0015356.

Submissions (2):

Labcorp Genetics (formerly Invitae), Labcorp
Classification: Uncertain significance. Last evaluated: 2025-12-17. Review status: criteria provided, single submitter. Criteria: Invitae Variant Classification Sherloc (09022015). Collection method: clinical testing. Allele origin: germline.
Comment: This sequence change replaces proline, which is neutral and non-polar, with alanine, which is neutral and non-polar, at codon 923 of the MSH3 protein (p.Pro923Ala). This variant is not present in population databases (gnomAD no frequency). This variant has not been reported in the literature in individuals affected with MSH3-related conditions. ClinVar contains an entry for this variant (Variation ID: 935084). An algorithm developed to predict the effect of missense changes on protein structure and function (PolyPhen-2) suggests that this variant is likely to be disruptive. In summary, the available evidence is currently insufficient to determine the role of this variant in disease. Therefore, it has been classified as a Variant of Uncertain Significance.

Ambry Genetics
Classification: Uncertain significance for Hereditary cancer-predisposing syndrome. Last evaluated: 2024-07-09. Review status: criteria provided, single submitter. Criteria: Ambry Variant Classification Scheme 2023. Collection method: clinical testing. Allele origin: germline.
Comment: The p.P923A variant (also known as c.2767C>G), located in coding exon 20 of the MSH3 gene, results from a C to G substitution at nucleotide position 2767. The proline at codon 923 is replaced by alanine, an amino acid with highly similar properties. This amino acid position is conserved. In addition, this alteration is predicted to be deleterious by in silico analysis. Since supporting evidence is limited at this time, the clinical significance of this alteration remains unclear.

NM_002439.5(MSH3):c.2767C>G (p.Pro923Ala)

Gene: MSH3 (mutS homolog 3; plus strand). Cytogenetic location: 5q14.1.
Variant type: single nucleotide variant.
Coding change: c.2767C>G on transcript NM_002439.5 (MANE Select); coding-DNA position 2767, C replaced by G.
Protein change: p.Pro923Ala; replaces proline 923 with alanine.
Molecular consequence: missense variant.
Genome position (GRCh38, 1-based): chr5:80,813,695, C>G. VCF-style: chr5-80813695-C-G. GRCh37 (hg19) VCF-style: chr5-80109514-C-G.
Other names: short protein forms P923A.
Identifiers: ClinVar variation 935084 (VCV000935084.13), dbSNP rs763008024, ClinGen allele CA360274034.